The following is an entry in ClinVar:

NM_020975.6(RET):c.*29C>A

Gene: RET (ret proto-oncogene; plus strand). Cytogenetic location: 10q11.21.
Variant type: single nucleotide variant.
Coding change: c.*29C>A on transcript NM_020975.6 (MANE Select); 29 bases downstream of the stop codon, C replaced by A.
Molecular consequence: 3 prime UTR variant.
Genome position (GRCh38, 1-based): chr10:43,128,298, C>A. VCF-style: chr10-43128298-C-A. GRCh37 (hg19) VCF-style: chr10-43623746-C-A.
Identifiers: ClinVar variation 877386 (VCV000877386.7), dbSNP rs199639914, ClinGen allele CA053931.

ClinVar aggregate classification (germline): Conflicting classifications of pathogenicity. Review status: criteria provided, conflicting classifications (1 of 4 stars). 5 submissions from 2 submitters: Uncertain significance (2); Benign (2); Likely benign (1). Last evaluated 2025-03-04.

Conditions:
Multiple endocrine neoplasia. Identifiers: Orphanet 276161, MedGen C0027662, MONDO:0017169.
Pheochromocytoma. Also called: MAX-Related Hereditary Paraganglioma-Pheochromocytoma Syndrome. Identifiers: Orphanet 29072, MedGen C0031511, MONDO:0008233, OMIM 171300, HP:0002666.
Hirschsprung disease, susceptibility to, 1 (HSCR1). Also called: RET-Related Hirschsprung Disease. Identifiers: Orphanet 388, MedGen C3888239, MONDO:0007723, OMIM 142623.
Renal hypodysplasia/aplasia 1 (RHDA1). Also called: HEREDITARY RENAL APLASIA; RENAL APLASIA. Identifiers: Orphanet 411709, MedGen C1619700, MONDO:0024519, OMIM 191830.

Allele frequency attached by ClinVar (database versions not stated): 1000 Genomes Project 30x 0.00016; 1000 Genomes Project 0.00020; ESP Exome Variant Server 0.00023; ExAC 0.00042; gnomAD exomes 0.00044 and 0.00073; TOPMed 0.00046; gnomAD 0.00048 and 0.00050.

Submissions (5):

Center for Genomic Medicine, Rigshospitalet, Copenhagen University Hospital
Classification: Likely benign. Last evaluated: 2025-03-04. Review status: criteria provided, single submitter. Criteria: ACMG Guidelines, 2015. Collection method: clinical testing. Allele origin: germline.

Illumina Laboratory Services, Illumina
Classification: Benign for Multiple endocrine neoplasia. Last evaluated: 2017-06-04. Review status: criteria provided, single submitter. Criteria: ICSL Variant Classification Criteria 13 December 2019. Collection method: clinical testing. Allele origin: germline.
Comment: This variant was observed as part of a predisposition screen in an ostensibly healthy population. A literature search was performed for the gene, cDNA change, and amino acid change (where applicable). No publications were found based on this search. Allele frequency data from public databases was too high to be consistent with this variant causing disease. Therefore, this variant is classified as benign.

Illumina Laboratory Services, Illumina
Classification: Benign for Pheochromocytoma. Last evaluated: 2017-06-04. Review status: criteria provided, single submitter. Criteria: ICSL Variant Classification Criteria 13 December 2019. Collection method: clinical testing. Allele origin: germline.
Comment: the same text as in the submission from Illumina Laboratory Services, Illumina above.

Illumina Laboratory Services, Illumina
Classification: Uncertain significance for Renal hypodysplasia/aplasia 1. Last evaluated: 2017-04-27. Review status: criteria provided, single submitter. Criteria: ICSL Variant Classification Criteria 13 December 2019. Collection method: clinical testing. Allele origin: germline.

Illumina Laboratory Services, Illumina
Classification: Uncertain significance for Hirschsprung disease, susceptibility to, 1. Last evaluated: 2017-04-27. Review status: criteria provided, single submitter. Criteria: ICSL Variant Classification Criteria 13 December 2019. Collection method: clinical testing. Allele origin: germline.